The following is an entry in ClinVar:

NM_000760.4(CSF3R):c.381C>A (p.His127Gln)

Gene: CSF3R (colony stimulating factor 3 receptor; minus strand). Cytogenetic location: 1p34.3.
Variant type: single nucleotide variant.
Coding change: c.381C>A on transcript NM_000760.4 (MANE Select); coding-DNA position 381, C replaced by A.
Protein change: p.His127Gln; replaces histidine 127 with glutamine.
Molecular consequence: missense variant.
Genome position (GRCh38, 1-based): chr1:36,473,868, G>T on the plus strand (C>A on the coding strand, the complement: CSF3R is on the minus strand). VCF-style: chr1-36473868-G-T. GRCh37 (hg19) VCF-style: chr1-36939469-G-T.
Other names: c.381C>A, p.His127Gln (NM_156039.3, NM_172313.3); short protein forms H127Q.
Identifiers: ClinVar variation 1345294 (VCV001345294.8), dbSNP rs1348822018, ClinGen allele CA339424167.

ClinVar aggregate classification (germline): Uncertain significance (1 of 4 stars; one submission).

Conditions:
Autosomal recessive severe congenital neutropenia due to CSF3R deficiency. Also called: Neutropenia, severe congenital, 7, autosomal recessive. Identifiers: Orphanet 420702, MedGen C4310764, MONDO:0014865, OMIM 617014.

Allele frequency attached by ClinVar (database versions not stated): gnomAD exomes below 0.00001.
gnomAD v4.1: 1 of 1,614,248 alleles (0.000062%); highest among the groups gnomAD compares: South Asian, 0.0011%; no homozygotes.

Submission:

Labcorp Genetics (formerly Invitae), Labcorp
Classification: Uncertain significance for Autosomal recessive severe congenital neutropenia due to CSF3R deficiency. Last evaluated: 2021-02-19. Review status: criteria provided, single submitter. Criteria: Invitae Variant Classification Sherloc (09022015). Collection method: clinical testing. Allele origin: germline.
Comment: In summary, the available evidence is currently insufficient to determine the role of this variant in disease. Therefore, it has been classified as a Variant of Uncertain Significance. Algorithms developed to predict the effect of missense changes on protein structure and function (SIFT, PolyPhen-2, Align-GVGD) all suggest that this variant is likely to be tolerated, but these predictions have not been confirmed by published functional studies and their clinical significance is uncertain. This variant has not been reported in the literature in individuals with CSF3R-related conditions. This variant is not present in population databases (ExAC no frequency). This sequence change replaces histidine with glutamine at codon 127 of the CSF3R protein (p.His127Gln). The histidine residue is weakly conserved and there is a small physicochemical difference between histidine and glutamine.